The following is an entry in ClinVar:

ClinVar aggregate classification (germline): Uncertain significance (1 of 4 stars; one submission).

Conditions:
Hereditary cancer-predisposing syndrome. Also called: Hereditary neoplastic syndrome; Neoplastic Syndromes, Hereditary; Tumor predisposition; Hereditary Cancer Syndrome. Identifiers: Orphanet 140162, MedGen C0027672, MeSH D009386, MONDO:0015356.

Submission:

Ambry Genetics
Classification: Uncertain significance for Hereditary cancer-predisposing syndrome. Last evaluated: 2025-09-01. Review status: criteria provided, single submitter. Criteria: Ambry Variant Classification Scheme 2023. Collection method: clinical testing. Allele origin: germline.
Comment: The p.V233I variant (also known as c.697G>A), located in coding exon 4 of the PALB2 gene, results from a G to A substitution at nucleotide position 697. The valine at codon 233 is replaced by isoleucine, an amino acid with highly similar properties. This amino acid position is conserved. In addition, this alteration is predicted to be tolerated by in silico analysis. Based on the available evidence, the clinical significance of this variant remains unclear.

NM_024675.4(PALB2):c.697G>A (p.Val233Ile)

Gene: PALB2 (partner and localizer of BRCA2; minus strand). Cytogenetic location: 16p12.2.
Variant type: single nucleotide variant.
Coding change: c.697G>A on transcript NM_024675.4 (MANE Select); coding-DNA position 697, G replaced by A.
Protein change: p.Val233Ile; replaces valine 233 with isoleucine.
Molecular consequence: missense variant. On other transcripts: 5 prime UTR variant (8), intron variant (3).
Genome position (GRCh38, 1-based): chr16:23,635,849, C>T on the plus strand (G>A on the coding strand, the complement: PALB2 is on the minus strand). VCF-style: chr16-23635849-C-T. GRCh37 (hg19) VCF-style: chr16-23647170-C-T.
Other names: c.637G>A, p.Val213Ile (NM_001407296.1); c.697G>A, p.Val233Ile (NM_001407297.1, NM_001407298.1, NM_001407299.1 and 3 more transcripts); c.-189G>A (NM_001407304.1, NM_001407305.1, NM_001407306.1 and 5 more transcripts); c.48+5261G>A (NM_001407314.1); c.-105+5261G>A (NM_001407313.1, NM_001407312.1); short protein forms V213I, V233I.
Identifiers: ClinVar variation 4130305 (VCV004130305.1).